The following is an entry in ClinVar:

NM_016194.4(GNB5):c.1125T>C (p.Val375=)

Gene: GNB5 (G protein subunit beta 5; minus strand). Cytogenetic location: 15q21.2.
Variant type: single nucleotide variant.
Coding change: c.1125T>C on transcript NM_016194.4 (MANE Select); coding-DNA position 1125, T replaced by C.
Protein change: p.Val375=; no amino-acid change (valine 375 retained).
Molecular consequence: synonymous variant.
Genome position (GRCh38, 1-based): chr15:52,124,524, A>G on the plus strand (T>C on the coding strand, the complement: GNB5 is on the minus strand). VCF-style: chr15-52124524-A-G. GRCh37 (hg19) VCF-style: chr15-52416721-A-G.
Other names: c.843T>C, p.Val281= (NM_001379343.1); c.999T>C, p.Val333= (NM_006578.4).
Identifiers: ClinVar variation 1335182 (VCV001335182.35), dbSNP rs748572863, ClinGen allele CA7565523.

ClinVar aggregate classification (germline): Likely benign (1 of 4 stars; one submission).

Allele frequency attached by ClinVar (database versions not stated): ExAC 0.00001; gnomAD 0.00001; gnomAD exomes 0.00001 and 0.00002; TOPMed 0.00001.
gnomAD v4.1: 11 of 1,613,920 alleles (0.00068%); highest among the groups gnomAD compares: Admixed American, 0.005%; 1 homozygote.

Submission:

CeGaT Center for Human Genetics Tuebingen
Classification: Likely benign. Last evaluated: 2023-12-01. Review status: criteria provided, single submitter. Criteria: CeGaT Center For Human Genetics Tuebingen Variant Classification Criteria Version 2. Collection method: clinical testing. Allele origin: germline. Affected: yes. Observed: 2 variant alleles.
Comment: GNB5: BP4, BP7